The following is an entry in ClinVar:

NM_020436.5(SALL4):c.2028C>T (p.Asn676=)

Gene: SALL4 (spalt like transcription factor 4; minus strand). Cytogenetic location: 20q13.2.
Variant type: single nucleotide variant.
Coding change: c.2028C>T on transcript NM_020436.5 (MANE Select); coding-DNA position 2028, C replaced by T.
Protein change: p.Asn676=; no amino-acid change (asparagine 676 retained).
Molecular consequence: synonymous variant. On other transcripts: intron variant (1).
Genome position (GRCh38, 1-based): chr20:51,790,455, G>A on the plus strand (C>T on the coding strand, the complement: SALL4 is on the minus strand). VCF-style: chr20-51790455-G-A. GRCh37 (hg19) VCF-style: chr20-50406994-G-A.
Other names: c.1150+878C>T (NM_001318031.2); c.2028C>T (NM_020436.4).
Identifiers: ClinVar variation 725092 (VCV000725092.11), dbSNP rs755057820, ClinGen allele CA9912192.

ClinVar aggregate classification (germline): Benign/Likely benign. Review status: criteria provided, multiple submitters, no conflicts (2 of 4 stars). 3 submissions from 3 submitters: Benign (1); Likely benign (1). 1 of the submissions does not count toward it. Last evaluated 2025-08-15.

Conditions:
SALL4-Related Disorders. Also called: SALL4-related condition; SALL4-related disorder. Identifiers: MedGen CN381056.
Duane-radial ray syndrome (DRRS). Also called: ACRORENOOCULAR SYNDROME; DR SYNDROME; DUANE ANOMALY WITH RADIAL RAY ABNORMALITIES AND DEAFNESS; Duane-Radial Ray Syndrome/Okihiro Syndrome; Duane-Radial Ray Syndrome (DRRS) / Okihiro Syndrome; Okihiro Syndrome. Identifiers: Orphanet 93293, Orphanet 959, MedGen C1623209, MONDO:0011812, OMIM 607323. Disease mechanism: gain of function.

Allele frequency attached by ClinVar (database versions not stated): gnomAD 0.00005 and 0.00006; gnomAD exomes 0.00006 and 0.00027; TOPMed 0.00017; ExAC 0.00026.
gnomAD v4.1: 97 of 1,614,100 alleles (0.006%); highest among the groups gnomAD compares: Admixed American, 0.11%; 1 homozygote.

Submissions (3):

Labcorp Genetics (formerly Invitae), Labcorp
Classification: Benign for Duane-radial ray syndrome. Last evaluated: 2025-08-15. Review status: criteria provided, single submitter. Criteria: Invitae Variant Classification Sherloc (09022015). Collection method: clinical testing. Allele origin: germline.

Blueprint Genetics
Classification: Likely benign. Last evaluated: 2024-01-03. Review status: criteria provided, single submitter. Criteria: ACMG Guidelines, 2015. Collection method: clinical testing. Allele origin: germline.

PreventionGenetics, part of Exact Sciences
Classification: Likely benign for SALL4-related condition. Last evaluated: 2019-03-11. Review status: no assertion criteria provided. Collection method: clinical testing. Allele origin: germline. Not counted in ClinVar's aggregate classification.
Comment: This variant is classified as likely benign based on ACMG/AMP sequence variant interpretation guidelines (Richards et al. 2015 PMID: 25741868, with internal and published modifications).